The following is an entry in ClinVar:

ClinVar aggregate classification (germline): Benign (1 of 4 stars; one submission).

Allele frequency attached by ClinVar (database versions not stated): gnomAD 0.24400 and 0.24451; 1000 Genomes Project 0.24501; 1000 Genomes Project 30x 0.24735; TOPMed 0.25913.

Submission:

GeneDx
Classification: Benign. Last evaluated: 2018-06-15. Review status: criteria provided, single submitter. Criteria: GeneDx Variant Classification (06012015). Collection method: clinical testing. Allele origin: germline. Affected: yes.
Comment: This variant is considered likely benign or benign based on one or more of the following criteria: it is a conservative change, it occurs at a poorly conserved position in the protein, it is predicted to be benign by multiple in silico algorithms, and/or has population frequency not consistent with disease.

NM_020297.4(ABCC9):c.2769+194del

Gene: ABCC9 (ATP binding cassette subfamily C member 9; minus strand). Cytogenetic location: 12p12.1.
Variant type: Deletion.
Coding change: c.2769+194del on transcript NM_020297.4 (MANE Select); 194 bases into the intron after coding-DNA position 2769, one base deleted (G; older notation c.2769+194delG).
Molecular consequence: intron variant.
Genome position (GRCh38, 1-based): chr12:21,851,903, C deleted on the plus strand (G on the coding strand, the reverse complement: ABCC9 is on the minus strand). VCF-style (leftmost placement, unchanged base first): chr12-21851902-GC-G. GRCh37 (hg19) VCF-style: chr12-22004836-GC-G.
Other names: c.1902+194del (NM_001377274.1); c.2769+194del (NM_005691.4, NM_001377273.1).
Identifiers: ClinVar variation 671059 (VCV000671059.1), dbSNP rs4148672, ClinGen allele CA233599311.